The following is an entry in ClinVar:

NM_001848.3(COL6A1):c.726C>T (p.Asn242=)

Gene: COL6A1 (collagen type VI alpha 1 chain; plus strand). Cytogenetic location: 21q22.3.
Variant type: single nucleotide variant.
Coding change: c.726C>T on transcript NM_001848.3 (MANE Select); coding-DNA position 726, C replaced by T.
Protein change: p.Asn242=; no amino-acid change (asparagine 242 retained).
Molecular consequence: synonymous variant.
Genome position (GRCh38, 1-based): chr21:45,987,163, C>T. VCF-style: chr21-45987163-C-T. GRCh37 (hg19) VCF-style: chr21-47407077-C-T.
Identifiers: ClinVar variation 286139 (VCV000286139.18), dbSNP rs142102852, ClinGen allele CA10069674.

ClinVar aggregate classification (germline): Conflicting classifications of pathogenicity. Review status: criteria provided, conflicting classifications (1 of 4 stars). 4 submissions from 4 submitters: Uncertain significance (2); Likely benign (1). 1 of the submissions does not count toward it. Last evaluated 2025-10-08.

Conditions:
COL6A1-related disorder. Also called: COL6A1-related condition.
Bethlem myopathy 1A. Also called: Bethlem Muscular Dystrophy; MYOPATHY, BENIGN CONGENITAL, WITH CONTRACTURES; Bethlem myopathy 1. Identifiers: Orphanet 610, MedGen CN029274, MONDO:0024530, OMIM 158810.

Allele frequency attached by ClinVar (database versions not stated): gnomAD exomes 0.00003; ExAC 0.00007; TOPMed 0.00008; gnomAD 0.00011 and 0.00012; ESP Exome Variant Server 0.00015; 1000 Genomes Project 30x 0.00016; 1000 Genomes Project 0.00020.
gnomAD v4.1: 78 of 1,598,344 alleles (0.0049%); highest among the groups gnomAD compares: African/African-American, 0.023%; 1 homozygote.

Submissions (4):

Labcorp Genetics (formerly Invitae), Labcorp
Classification: Likely benign for Bethlem myopathy 1A. Last evaluated: 2025-10-08. Review status: criteria provided, single submitter. Criteria: Invitae Variant Classification Sherloc (09022015). Collection method: clinical testing. Allele origin: germline.

Revvity Omics, Revvity
Classification: Uncertain significance. Last evaluated: 2019-12-16. Review status: criteria provided, single submitter. Criteria: ACMG Guidelines, 2015. Collection method: clinical testing. Allele origin: germline.

Eurofins Ntd Llc (ga)
Classification: Uncertain significance. Last evaluated: 2016-02-11. Review status: criteria provided, single submitter. Criteria: EGL Classification Definitions 2015. Collection method: clinical testing. Allele origin: germline. Observed: 1 variant allele, 1 heterozygote.

PreventionGenetics, part of Exact Sciences
Classification: Likely benign for COL6A1-related condition. Last evaluated: 2019-10-17. Review status: no assertion criteria provided. Collection method: clinical testing. Allele origin: germline. Not counted in ClinVar's aggregate classification.
Comment: This variant is classified as likely benign based on ACMG/AMP sequence variant interpretation guidelines (Richards et al. 2015 PMID: 25741868, with internal and published modifications).